The following is an entry in ClinVar:

NM_000807.4(GABRA2):c.977C>G (p.Ser326Cys)

Gene: GABRA2 (gamma-aminobutyric acid type A receptor subunit alpha2; minus strand). Cytogenetic location: 4p12.
Variant type: single nucleotide variant.
Coding change: c.977C>G on transcript NM_000807.4 (MANE Select); coding-DNA position 977, C replaced by G.
Protein change: p.Ser326Cys; replaces serine 326 with cysteine.
Molecular consequence: missense variant.
Genome position (GRCh38, 1-based): chr4:46,262,008, G>C on the plus strand (C>G on the coding strand, the complement: GABRA2 is on the minus strand). VCF-style: chr4-46262008-G-C. GRCh37 (hg19) VCF-style: chr4-46264025-G-C.
Other names: c.977C>G, p.Ser326Cys (NM_001114175.3, NM_001330690.2, NM_001377144.1 and 8 more transcripts); c.812C>G, p.Ser271Cys (NM_001286827.3, NM_001377152.1, NM_001377153.1 and 1 more transcripts); short protein forms S271C, S326C.
Identifiers: ClinVar variation 1707052 (VCV001707052.2), dbSNP rs2475295778, ClinGen allele CA356804287.

ClinVar aggregate classification (germline): Uncertain significance (1 of 4 stars; one submission).

Allele frequency attached by ClinVar (database versions not stated): gnomAD exomes below 0.00001.
gnomAD v4.1: 1 of 1,613,840 alleles (0.000062%); highest among the groups gnomAD compares: Non-Finnish European, 0.000085%; no homozygotes.

Submission:

GeneDx
Classification: Uncertain significance. Last evaluated: 2022-02-17. Review status: criteria provided, single submitter. Criteria: GeneDx Variant Classification Process June 2021. Collection method: clinical testing. Allele origin: germline. Affected: yes.
Comment: Not observed at significant frequency in large population cohorts (gnomAD); In silico analysis supports that this missense variant has a deleterious effect on protein structure/function; Has not been previously published as pathogenic or benign to our knowledge